The following is an entry in ClinVar:

ClinVar aggregate classification (germline): Uncertain significance (1 of 4 stars; one submission).

Conditions:
POGZ-related disorder. Also called: POGZ-related condition.

Allele frequency attached by ClinVar (database versions not stated): gnomAD exomes 0.00001.
gnomAD v4.1: 7 of 1,613,074 alleles (0.00043%); highest among the groups gnomAD compares: Non-Finnish European, 0.00059%; no homozygotes.

Submission:

PreventionGenetics, part of Exact Sciences
Classification: Uncertain significance for POGZ-related condition. Last evaluated: 2023-08-14. Review status: criteria provided, single submitter. Criteria: ACMG Guidelines, 2015. Collection method: clinical testing. Allele origin: germline.
Comment: The POGZ c.1540A>G variant is predicted to result in the amino acid substitution p.Lys514Glu. To our knowledge, this variant has not been reported in the literature or in a large population database, indicating this variant is rare. At this time, the clinical significance of this variant is uncertain due to the absence of conclusive functional and genetic evidence.

NM_015100.4(POGZ):c.1540A>G (p.Lys514Glu)

Gene: POGZ (pogo transposable element derived with ZNF domain; minus strand). Cytogenetic location: 1q21.3.
Variant type: single nucleotide variant.
Coding change: c.1540A>G on transcript NM_015100.4 (MANE Select); coding-DNA position 1540, A replaced by G.
Protein change: p.Lys514Glu; replaces lysine 514 with glutamic acid.
Molecular consequence: missense variant.
Genome position (GRCh38, 1-based): chr1:151,423,535, T>C on the plus strand (A>G on the coding strand, the complement: POGZ is on the minus strand). VCF-style: chr1-151423535-T-C. GRCh37 (hg19) VCF-style: chr1-151396011-T-C.
Other names: c.1513A>G, p.Lys505Glu (NM_001194937.2); c.1354A>G, p.Lys452Glu (NM_001194938.2); c.1561A>G, p.Lys521Glu (NM_001410860.1); c.1255A>G, p.Lys419Glu (NM_145796.4); c.1381A>G, p.Lys461Glu (NM_207171.2); short protein forms K419E, K452E, K461E, K505E, K514E, K521E.
Identifiers: ClinVar variation 2631784 (VCV002631784.1), dbSNP rs2529428189, ClinGen allele CA341970316.